The following is an entry in ClinVar:

NM_198904.4(GABRG2):c.432A>C (p.Lys144Asn)

Gene: GABRG2 (gamma-aminobutyric acid type A receptor subunit gamma2; plus strand). Cytogenetic location: 5q34.
Variant type: single nucleotide variant.
Coding change: c.432A>C on transcript NM_198904.4 (MANE Select); coding-DNA position 432, A replaced by C.
Protein change: p.Lys144Asn; replaces lysine 144 with asparagine.
Molecular consequence: missense variant.
Genome position (GRCh38, 1-based): chr5:162,097,742, A>C. VCF-style: chr5-162097742-A-C. GRCh37 (hg19) VCF-style: chr5-161524748-A-C.
Other names: c.432A>C, p.Lys144Asn (NM_000816.3, NM_001375340.1, NM_001375341.1 and 4 more transcripts); c.423A>C, p.Lys141Asn (NM_001375339.1); c.366A>C, p.Lys122Asn (NM_001375345.1, NM_001375346.1); c.345A>C, p.Lys115Asn (NM_001375347.1); c.12A>C, p.Lys4Asn (NM_001375348.1, NM_001375350.1); c.147A>C, p.Lys49Asn (NM_001375349.1); short protein forms K115N, K122N, K141N, K144N, K49N, K4N.
Identifiers: ClinVar variation 1018606 (VCV001018606.9), dbSNP rs1761105874, ClinGen allele CA362184132.

ClinVar aggregate classification (germline): Uncertain significance (1 of 4 stars; one submission).

Conditions:
EPILEPSY, CHILDHOOD ABSENCE, SUSCEPTIBILITY TO, 2 (ECA2). Identifiers: Orphanet 64280, MedGen C1843244, OMIM 607681.
Febrile seizures, familial, 8 (FEB8). Also called: CONVULSIONS, FAMILIAL FEBRILE, 8. Identifiers: Orphanet 36387, MedGen C1969810, MONDO:0011891, OMIM 607681.

Submission:

Labcorp Genetics (formerly Invitae), Labcorp
Classification: Uncertain significance for Febrile seizures, familial, 8; EPILEPSY, CHILDHOOD ABSENCE, SUSCEPTIBILITY TO, 2. Last evaluated: 2024-07-29. Review status: criteria provided, single submitter. Criteria: Invitae Variant Classification Sherloc (09022015). Collection method: clinical testing. Allele origin: germline.
Comment: This sequence change replaces lysine, which is basic and polar, with asparagine, which is neutral and polar, at codon 144 of the GABRG2 protein (p.Lys144Asn). This variant is not present in population databases (gnomAD no frequency). This variant has not been reported in the literature in individuals affected with GABRG2-related conditions. ClinVar contains an entry for this variant (Variation ID: 1018606). Advanced modeling of protein sequence and biophysical properties (such as structural, functional, and spatial information, amino acid conservation, physicochemical variation, residue mobility, and thermodynamic stability) has been performed at Invitae for this missense variant, however the output from this modeling did not meet the statistical confidence thresholds required to predict the impact of this variant on GABRG2 protein function. In summary, the available evidence is currently insufficient to determine the role of this variant in disease. Therefore, it has been classified as a Variant of Uncertain Significance.